The following is an entry in ClinVar:

NM_053025.4(MYLK):c.752A>G (p.Gln251Arg)

Gene: MYLK (myosin light chain kinase; minus strand). Cytogenetic location: 3q21.1.
Variant type: single nucleotide variant.
Coding change: c.752A>G on transcript NM_053025.4 (MANE Select); coding-DNA position 752, A replaced by G.
Protein change: p.Gln251Arg; replaces glutamine 251 with arginine.
Molecular consequence: missense variant.
Genome position (GRCh38, 1-based): chr3:123,737,380, T>C on the plus strand (A>G on the coding strand, the complement: MYLK is on the minus strand). VCF-style: chr3-123737380-T-C. GRCh37 (hg19) VCF-style: chr3-123456227-T-C.
Other names: c.224A>G, p.Gln75Arg (NM_001321309.2); c.752A>G, p.Gln251Arg (NM_053026.4, NM_053027.4, NM_053028.4); short protein forms Q251R, Q75R.
Identifiers: ClinVar variation 4976521 (VCV004976521.1).
Genomic context (GRCh38, chr3:123,737,380, plus strand): 5'-TAGGAGGGTGCGGCACCAGGCAGGGATCGTTCTGCACTAGCCGTCCACTGGTCGATACCT[T>C]GGATGGAAAGTTCAGCTGACATCGAGGCCTTCCCCGACCCGTTCACCACCAGGCACGTGT-3'
Protein context (NP_444253.3, residues 241-261): KASMSAELSI[Gln251Arg]GLDSANRSFV

ClinVar aggregate classification (germline): Uncertain significance (1 of 4 stars; one submission).

gnomAD v4.1: 12 of 1,614,088 alleles (0.00074%); highest among the groups gnomAD compares: Non-Finnish European, 0.001%; no homozygotes.

Submission:

GeneDx
Classification: Uncertain significance. Last evaluated: 2026-02-12. Review status: criteria provided, single submitter. Criteria: GeneDx Variant Classification Process June 2021. Collection method: clinical testing. Allele origin: germline.
Comment: Not observed at significant frequency in large population cohorts (gnomAD); In silico analysis suggests that this missense variant does not alter protein structure/function; Has not been previously published as pathogenic or benign to our knowledge